The following is an entry in ClinVar:

ClinVar aggregate classification (germline): Pathogenic/Likely pathogenic. Review status: criteria provided, multiple submitters, no conflicts (2 of 4 stars). 3 submissions from 3 submitters: Pathogenic (1); Likely pathogenic (2). Last evaluated 2026-06-22.

Conditions:
Maple syrup urine disease type 1B (MSUD1B). Also called: MSUD type IB; MSUD type 3 (formerly); MSUD due to deficiency of e1-beta subunit of branched-chain alpha-keto acid dehydrogenase complex. Identifiers: MedGen C2930990, MONDO:0023692, OMIM 620698.

gnomAD v4.1: 1 of 1,611,864 alleles (0.000062%); highest among the groups gnomAD compares: Non-Finnish European, 0.000085%; no homozygotes.

Submissions (3):

Women's Health and Genetics/Laboratory Corporation of America, LabCorp
Classification: Pathogenic for Maple syrup urine disease type 1B. Last evaluated: 2026-06-22. Review status: criteria provided, single submitter. Criteria: LabCorp Variant Classification Summary - May 2015. Collection method: clinical testing. Allele origin: germline.
Comment: Variant summary: BCKDHB c.199C>T (p.Gln67X) results in a premature termination codon, predicted to cause a truncation of the encoded protein or absence of the protein due to nonsense mediated decay, which are commonly known mechanisms for disease. Several computational tools predict a significant impact on normal splicing: Three predict the variant creates a 5' donor site. One predict the variant weakens a cryptic 3' acceptor site. One predict the variant strengthens a cryptic 3' acceptor site. However, these predictions have yet to be confirmed by functional studies. The frequency data for this variant in gnomAD is considered unreliable, as metrics indicate poor data quality at this position. To our knowledge, no occurrence of c.199C>T in individuals affected with BCKDHB-related conditions and no experimental evidence demonstrating its impact on protein function have been reported. ClinVar contains an entry for this variant (Variation ID: 3594153). Based on the evidence outlined above, the variant was classified as pathogenic.

Natera, Inc.
Classification: Likely pathogenic for Maple syrup urine disease type 1B. Last evaluated: 2025-09-08. Review status: criteria provided, single submitter. Criteria: Natera Variant Classification Schema (03/2026). Collection method: clinical testing. Allele origin: germline.
Comment: The c.199C>T variant in BCKDHB is a nonsense variant predicted to introduce a stop codon at amino acid 67. This variant is expected to result in nonsense mediated decay, truncation, or a dysfunctional protein product. This variant is rare in the general population with a frequency below the threshold expected for the associated phenotype(s). Given the available evidence, this variant is classified as Likely Pathogenic.

Fulgent Genetics
Classification: Likely pathogenic for Maple syrup urine disease type 1B. Last evaluated: 2024-01-23. Review status: criteria provided, single submitter. Criteria: ACMG Guidelines, 2015. Collection method: clinical testing. Allele origin: germline.

NM_183050.4(BCKDHB):c.199C>T (p.Gln67Ter)

Gene: BCKDHB (branched chain keto acid dehydrogenase E1 subunit beta; plus strand). Cytogenetic location: 6q14.1.
Variant type: single nucleotide variant.
Coding change: c.199C>T on transcript NM_183050.4 (MANE Select); coding-DNA position 199, C replaced by T.
Protein change: p.Gln67Ter; replaces glutamine 67 with a stop codon.
Molecular consequence: nonsense. On other transcripts: 5 prime UTR variant (2), non-coding transcript variant (6).
Genome position (GRCh38, 1-based): chr6:80,127,549, C>T. VCF-style: chr6-80127549-C-T. GRCh37 (hg19) VCF-style: chr6-80837266-C-T.
Other names: c.199C>T, p.Gln67Ter (NM_000056.5, NM_001424035.1, NM_001424036.1 and 8 more transcripts); c.-12C>T (NM_001318975.1, NM_001424043.1); c.199C>T (NM_183050.3); short protein forms Q67*.
Identifiers: ClinVar variation 3594153 (VCV003594153.3).